The following is an entry in ClinVar:

NC_000016.9:g.(?_56906253)_(56912083_?)del

Gene: SLC12A3 (solute carrier family 12 member 3; plus strand). Cytogenetic location: 16q13.
Variant type: Deletion.
Identifiers: ClinVar variation 1075066 (VCV001075066.5).

ClinVar aggregate classification (germline): Pathogenic (1 of 4 stars; one submission).

Submission:

Labcorp Genetics (formerly Invitae), Labcorp
Classification: Pathogenic. Last evaluated: 2020-08-09. Review status: criteria provided, single submitter. Criteria: Invitae Variant Classification Sherloc (09022015). Collection method: clinical testing. Allele origin: germline.
Comment: This variant is an out-of-frame deletion of the genomic region encompassing exon(s) 7-9 of the SLC12A3 gene. This is expected to create a premature translational stop signal and result in an absent or disrupted protein product. This variant has not been reported in the literature in individuals with SLC12A3-related conditions. Loss-of-function variants in SLC12A3 are known to be pathogenic (PMID: 20848653, 22009145, 25841442). For these reasons, this variant has been classified as Pathogenic.

Literature cited by the submitters: PubMed 20848653; PubMed 22009145; PubMed 25841442.